The following is an entry in ClinVar:

NM_004341.5(CAD):c.525C>T (p.Ala175=)

Gene: CAD (carbamoyl-phosphate synthetase 2, aspartate transcarbamylase, and dihydroorotase; plus strand). Cytogenetic location: 2p23.3.
Variant type: single nucleotide variant.
Coding change: c.525C>T on transcript NM_004341.5 (MANE Select); coding-DNA position 525, C replaced by T.
Protein change: p.Ala175=; no amino-acid change (alanine 175 retained).
Molecular consequence: synonymous variant.
Genome position (GRCh38, 1-based): chr2:27,222,548, C>T. VCF-style: chr2-27222548-C-T. GRCh37 (hg19) VCF-style: chr2-27445416-C-T.
Other names: c.525C>T, p.Ala175= (NM_001306079.2).
Identifiers: ClinVar variation 730846 (VCV000730846.12), dbSNP rs779630317, ClinGen allele CA1572458.

ClinVar aggregate classification (germline): Likely benign. Review status: criteria provided, multiple submitters, no conflicts (2 of 4 stars). 2 submissions from 2 submitters: Likely benign (2). Last evaluated 2026-01-01.

Allele frequency attached by ClinVar (database versions not stated): ExAC 0.00001.

Submissions (2):

CeGaT Center for Human Genetics Tuebingen
Classification: Likely benign. Last evaluated: 2026-01-01. Review status: criteria provided, single submitter. Criteria: CeGaT Center For Human Genetics Tuebingen Variant Classification Criteria Version 2. Collection method: clinical testing. Allele origin: germline. Affected: yes. Observed: 1 variant allele.
Comment: CAD: PM2:Supporting, BP4, BP7

Labcorp Genetics (formerly Invitae), Labcorp
Classification: Likely benign. Last evaluated: 2025-10-26. Review status: criteria provided, single submitter. Criteria: Invitae Variant Classification Sherloc (09022015). Collection method: clinical testing. Allele origin: germline.